The following is an entry in ClinVar:

NM_152299.4(NCAPH2):c.325G>A (p.Gly109Arg)

Gene: NCAPH2 (non-SMC condensin II complex subunit H2; plus strand). Cytogenetic location: 22q13.33.
Variant type: single nucleotide variant.
Coding change: c.325G>A on transcript NM_152299.4 (MANE Select); coding-DNA position 325, G replaced by A.
Protein change: p.Gly109Arg; replaces glycine 109 with arginine.
Molecular consequence: missense variant.
Genome position (GRCh38, 1-based): chr22:50,517,635, G>A. VCF-style: chr22-50517635-G-A. GRCh37 (hg19) VCF-style: chr22-50956064-G-A.
Other names: c.325G>A, p.Gly109Arg (NM_001185011.2, NM_014551.5); short protein forms G109R.
Identifiers: ClinVar variation 2344415 (VCV002344415.4), dbSNP rs372044931, ClinGen allele CA10320403.
Genomic context (GRCh38, chr22:50,517,635, plus strand): 5'-AGGCGGGCCAAGCAGCTCTCTTCGGTGCAGGAGGACAGGGCCAATGGGGTTGCCAGCTCC[G>A]GGGTCCCCCAGGAGGCAGAGAATGAGGTGAGTTTCTTTGGCATGTGGTCCCCGCCCACTG-3'
Protein context (NP_689512.2, residues 99-119): EDRANGVASS[Gly109Arg]VPQEAENEFL

ClinVar aggregate classification (germline): Likely benign (1 of 4 stars; one submission).

Allele frequency attached by ClinVar (database versions not stated): TOPMed 0.00005; gnomAD 0.00006; gnomAD exomes 0.00007; ESP Exome Variant Server 0.00008; ExAC 0.00012.

Submission:

Ambry Genetics
Classification: Likely benign. Last evaluated: 2022-10-12. Review status: criteria provided, single submitter. Criteria: Ambry Variant Classification Scheme 2023. Collection method: clinical testing. Allele origin: germline.